The following is an entry in ClinVar:

ClinVar aggregate classification (germline): Conflicting classifications of pathogenicity. Review status: criteria provided, conflicting classifications (1 of 4 stars). 5 submissions from 5 submitters: Uncertain significance (3); Likely benign (1). 1 of the submissions does not count toward it. Last evaluated 2025-06-17.

Conditions:
Inborn genetic diseases. Identifiers: MedGen C0950123, MeSH D030342.
NPHP4-related disorder. Also called: NPHP4-related disorders; NPHP4-related condition. Identifiers: MedGen CN239384.
Nephronophthisis. Also called: Juvenile Nephronophthisis. Identifiers: Orphanet 655, MedGen C0687120, MONDO:0019005, HP:0000090.
Senior-Loken syndrome 4 (SLSN4). Identifiers: Orphanet 3156, MedGen C1846979, MONDO:0011756, OMIM 606996.
Nephronophthisis 4 (NPHP4). Also called: NEPHRONOPHTHISIS 4, JUVENILE. Identifiers: Orphanet 655, MedGen C1847013, MONDO:0011752, OMIM 606966.

Allele frequency attached by ClinVar (database versions not stated): gnomAD exomes 0.00003 and 0.00012; ExAC 0.00007; ESP Exome Variant Server 0.00008; gnomAD 0.00014 and 0.00016; 1000 Genomes Project 30x 0.00016; TOPMed 0.00019; 1000 Genomes Project 0.00020.
gnomAD v4.1: 72 of 1,612,940 alleles (0.0045%); highest among the groups gnomAD compares: Admixed American, 0.048%; no homozygotes.

Submissions (5):

Ambry Genetics
Classification: Likely benign for Inborn genetic diseases. Last evaluated: 2025-06-17. Review status: criteria provided, single submitter. Criteria: Ambry Variant Classification Scheme 2023. Collection method: clinical testing. Allele origin: germline.

Fulgent Genetics
Classification: Uncertain significance for Nephronophthisis 4; Senior-Loken syndrome 4. Last evaluated: 2023-12-27. Review status: criteria provided, single submitter. Criteria: ACMG Guidelines, 2015. Collection method: clinical testing. Allele origin: germline.

Labcorp Genetics (formerly Invitae), Labcorp
Classification: Uncertain significance for Nephronophthisis. Last evaluated: 2022-09-27. Review status: criteria provided, single submitter. Criteria: Invitae Variant Classification Sherloc (09022015). Collection method: clinical testing. Allele origin: germline.
Comment: This sequence change replaces arginine, which is basic and polar, with glutamine, which is neutral and polar, at codon 444 of the NPHP4 protein (p.Arg444Gln). This variant is present in population databases (rs202179978, gnomAD 0.06%). This variant has not been reported in the literature in individuals affected with NPHP4-related conditions. ClinVar contains an entry for this variant (Variation ID: 497619). Advanced modeling of protein sequence and biophysical properties (such as structural, functional, and spatial information, amino acid conservation, physicochemical variation, residue mobility, and thermodynamic stability) performed at Invitae indicates that this missense variant is not expected to disrupt NPHP4 protein function. In summary, the available evidence is currently insufficient to determine the role of this variant in disease. Therefore, it has been classified as a Variant of Uncertain Significance.

Eurofins Ntd Llc (ga)
Classification: Uncertain significance. Last evaluated: 2018-02-20. Review status: criteria provided, single submitter. Criteria: EGL ClinVar v180209 classification definitions. Collection method: clinical testing. Allele origin: germline. Observed: 5 variant alleles, 5 heterozygotes.

PreventionGenetics, part of Exact Sciences
Classification: Uncertain significance for NPHP4-related condition. Last evaluated: 2024-09-10. Review status: no assertion criteria provided. Collection method: clinical testing. Allele origin: germline. Not counted in ClinVar's aggregate classification.
Comment: The NPHP4 c.1331G>A variant is predicted to result in the amino acid substitution p.Arg444Gln. To our knowledge, this variant has not been reported in the literature. This variant is reported in 0.068% of alleles in individuals of Latino descent in gnomAD, which is more common than other known or suspected pathogenic variants in NPHP4. Although we suspect this variant may be benign, at this time, the clinical significance of this variant is uncertain due to the absence of conclusive functional and genetic evidence.

NM_015102.5(NPHP4):c.1331G>A (p.Arg444Gln)

Gene: NPHP4 (nephrocystin 4; minus strand). Cytogenetic location: 1p36.31.
Variant type: single nucleotide variant.
Coding change: c.1331G>A on transcript NM_015102.5 (MANE Select); coding-DNA position 1331, G replaced by A.
Protein change: p.Arg444Gln; replaces arginine 444 with glutamine.
Molecular consequence: missense variant. On other transcripts: 5 prime UTR variant (2), non-coding transcript variant (1).
Genome position (GRCh38, 1-based): chr1:5,927,759, C>T on the plus strand (G>A on the coding strand, the complement: NPHP4 is on the minus strand). VCF-style: chr1-5927759-C-T. GRCh37 (hg19) VCF-style: chr1-5987819-C-T.
Other names: c.-36G>A (NM_001291593.2, NM_001291594.2); c.1331G>A (NM_015102.3); short protein forms R444Q.
Identifiers: ClinVar variation 497619 (VCV000497619.15), dbSNP rs202179978, ClinGen allele CA554546.